The following is an entry in ClinVar:

ClinVar aggregate classification (germline): Uncertain significance (1 of 4 stars; one submission).

gnomAD v4.1: 1 of 1,614,060 alleles (0.000062%); highest among the groups gnomAD compares: Non-Finnish European, 0.000085%; no homozygotes.

Submission:

Labcorp Genetics (formerly Invitae), Labcorp
Classification: Uncertain significance. Last evaluated: 2025-02-20. Review status: criteria provided, single submitter. Criteria: Invitae Variant Classification Sherloc (09022015). Collection method: clinical testing. Allele origin: germline.
Comment: This sequence change replaces threonine, which is neutral and polar, with serine, which is neutral and polar, at codon 619 of the EFTUD2 protein (p.Thr619Ser). This variant is present in population databases (rs773704461, gnomAD 0.0009%). This variant has not been reported in the literature in individuals affected with EFTUD2-related conditions. Invitae Evidence Modeling of protein sequence and biophysical properties (such as structural, functional, and spatial information, amino acid conservation, physicochemical variation, residue mobility, and thermodynamic stability) indicates that this missense variant is not expected to disrupt EFTUD2 protein function with a negative predictive value of 80%. In summary, the available evidence is currently insufficient to determine the role of this variant in disease. Therefore, it has been classified as a Variant of Uncertain Significance.

NM_004247.4(EFTUD2):c.1856C>G (p.Thr619Ser)

Gene: EFTUD2 (elongation factor Tu GTP binding domain containing 2; minus strand). Cytogenetic location: 17q21.31.
Variant type: single nucleotide variant.
Coding change: c.1856C>G on transcript NM_004247.4 (MANE Select); coding-DNA position 1856, C replaced by G.
Protein change: p.Thr619Ser; replaces threonine 619 with serine.
Molecular consequence: missense variant.
Genome position (GRCh38, 1-based): chr17:44,859,909, G>C on the plus strand (C>G on the coding strand, the complement: EFTUD2 is on the minus strand). VCF-style: chr17-44859909-G-C. GRCh37 (hg19) VCF-style: chr17-42937277-G-C.
Other names: c.1751C>G, p.Thr584Ser (NM_001142605.2); c.1856C>G, p.Thr619Ser (NM_001258353.2); c.1826C>G, p.Thr609Ser (NM_001258354.2); short protein forms T609S, T619S, T584S.
Identifiers: ClinVar variation 4743579 (VCV004743579.1).